The following is an entry in ClinVar:

NM_000094.4(COL7A1):c.3139+12G>A

Gene: COL7A1 (collagen type VII alpha 1 chain; minus strand). Cytogenetic location: 3p21.31.
Variant type: single nucleotide variant.
Coding change: c.3139+12G>A on transcript NM_000094.4 (MANE Select); 12 bases into the intron after coding-DNA position 3139, G replaced by A.
Molecular consequence: intron variant.
Genome position (GRCh38, 1-based): chr3:48,587,178, C>T on the plus strand (G>A on the coding strand, the complement: COL7A1 is on the minus strand). VCF-style: chr3-48587178-C-T. GRCh37 (hg19) VCF-style: chr3-48624611-C-T.
Identifiers: ClinVar variation 255108 (VCV000255108.19), dbSNP rs2255532, ClinGen allele CA2380633.

ClinVar aggregate classification (germline): Benign. Review status: criteria provided, multiple submitters, no conflicts (2 of 4 stars). 6 submissions from 6 submitters: Benign (6). Last evaluated 2026-02-04.

Conditions:
Epidermolysis bullosa dystrophica. Also called: Dystrophic epidermolysis bullosa, Hallopeau-Siemens type (formerly); Dystrophic epidermolysis bullosa. Identifiers: Orphanet 303, MedGen C0079294, MONDO:0006543.

Allele frequency attached by ClinVar (database versions not stated): gnomAD exomes 0.33729 and 0.34017; ExAC 0.35726; 1000 Genomes Project 0.43051; 1000 Genomes Project 30x 0.43582; TOPMed 0.44615; gnomAD 0.45078 and 0.46226; ESP Exome Variant Server 0.47586.
gnomAD v4.1: 562,418 of 1,612,868 alleles (35%); highest among the groups gnomAD compares: African/African-American, 78%; 107,854 homozygotes.

Submissions (6):

Labcorp Genetics (formerly Invitae), Labcorp
Classification: Benign. Last evaluated: 2026-02-04. Review status: criteria provided, single submitter. Criteria: Invitae Variant Classification Sherloc (09022015). Collection method: clinical testing. Allele origin: germline.

Women's Health and Genetics/Laboratory Corporation of America, LabCorp
Classification: Benign. Last evaluated: 2025-01-27. Review status: criteria provided, single submitter. Criteria: LabCorp Variant Classification Summary - May 2015. Collection method: clinical testing. Allele origin: germline.

Illumina Laboratory Services, Illumina
Classification: Benign for Dystrophic epidermolysis bullosa. Last evaluated: 2018-01-13. Review status: criteria provided, single submitter. Criteria: ICSL Variant Classification Criteria 13 December 2019. Collection method: clinical testing. Allele origin: germline.
Comment: This variant was observed in the ICSL laboratory as part of a predisposition screen in an ostensibly healthy population. It had not been previously curated by ICSL or reported in the Human Gene Mutation Database (HGMD: prior to June 1st, 2018), and was therefore a candidate for classification through an automated scoring system. Utilizing variant allele frequency, disease prevalence and penetrance estimates, and inheritance mode, an automated score was calculated to assess if this variant is too frequent to cause the disease. Based on the score and internal cut-off values, a variant classified as benign is not then subjected to further curation. The score for this variant resulted in a classification of benign for this disease.

GeneDx
Classification: Benign. Last evaluated: 2015-03-03. Review status: criteria provided, single submitter. Criteria: GeneDx Variant Classification Process June 2021. Collection method: clinical testing. Allele origin: germline. Affected: yes.

Breakthrough Genomics
Classification: Benign. Review status: criteria provided, single submitter. Criteria: ACMG Guidelines, 2015. Collection method: not provided. Allele origin: germline. Inheritance: Autosomal recessive inheritance. Affected: yes.

PreventionGenetics, part of Exact Sciences
Classification: Benign. Review status: criteria provided, single submitter. Criteria: ACMG Guidelines, 2015. Collection method: clinical testing. Allele origin: germline.